The following is an entry in ClinVar:

NM_000426.4(LAMA2):c.8244T>C (p.His2748=)

Gene: LAMA2 (laminin subunit alpha 2; plus strand). Cytogenetic location: 6q22.33.
Variant type: single nucleotide variant.
Coding change: c.8244T>C on transcript NM_000426.4 (MANE Select); coding-DNA position 8244, T replaced by C.
Protein change: p.His2748=; no amino-acid change (histidine 2748 retained).
Molecular consequence: synonymous variant.
Genome position (GRCh38, 1-based): chr6:129,492,483, T>C. VCF-style: chr6-129492483-T-C. GRCh37 (hg19) VCF-style: chr6-129813628-T-C.
Other names: c.8232T>C, p.His2744= (NM_001079823.2).
Identifiers: ClinVar variation 543884 (VCV000543884.5), dbSNP rs981372351, ClinGen allele CA3994769.

ClinVar aggregate classification (germline): Conflicting classifications of pathogenicity. Review status: criteria provided, conflicting classifications (1 of 4 stars). 2 submissions from 2 submitters: Uncertain significance (1); Likely benign (1). Last evaluated 2023-10-13.

Conditions:
LAMA2-related muscular dystrophy (LAMA2-RD). Also called: Laminin alpha 2-related dystrophy. Identifiers: MedGen C5679788, MONDO:0100228.
Inborn genetic diseases. Identifiers: MedGen C0950123, MeSH D030342.

Allele frequency attached by ClinVar (database versions not stated): gnomAD 0.00001 and 0.00002; gnomAD exomes 0.00001 and 0.00003; TOPMed 0.00003; ExAC 0.00004.
gnomAD v4.1: 21 of 1,603,766 alleles (0.0013%); highest among the groups gnomAD compares: Admixed American, 0.0083%; no homozygotes.

Submissions (2):

Ambry Genetics
Classification: Likely benign for Inborn genetic diseases. Last evaluated: 2023-10-13. Review status: criteria provided, single submitter. Criteria: Ambry Variant Classification Scheme 2023. Collection method: clinical testing. Allele origin: germline.

Labcorp Genetics (formerly Invitae), Labcorp
Classification: Uncertain significance for LAMA2-related muscular dystrophy. Last evaluated: 2022-01-06. Review status: criteria provided, single submitter. Criteria: Invitae Variant Classification Sherloc (09022015). Collection method: clinical testing. Allele origin: germline.
Comment: This sequence change affects codon 2748 of the LAMA2 mRNA. It is a 'silent' change, meaning that it does not change the encoded amino acid sequence of the LAMA2 protein. It affects a nucleotide within the consensus splice site. This variant is present in population databases (no rsID available, gnomAD 0.01%). This variant has not been reported in the literature in individuals affected with LAMA2-related conditions. ClinVar contains an entry for this variant (Variation ID: 543884). Algorithms developed to predict the effect of sequence changes on RNA splicing suggest that this variant is not likely to affect RNA splicing. In summary, the available evidence is currently insufficient to determine the role of this variant in disease. Therefore, it has been classified as a Variant of Uncertain Significance.